The following is an entry in ClinVar:

ClinVar aggregate classification (germline): Uncertain significance. Review status: criteria provided, multiple submitters, no conflicts (2 of 4 stars). 2 submissions from 2 submitters: Uncertain significance (2). Last evaluated 2025-09-25.

Allele frequency attached by ClinVar (database versions not stated): gnomAD exomes below 0.00001 and 0.00001; gnomAD 0.00003; TOPMed 0.00011; 1000 Genomes Project 30x 0.00016; 1000 Genomes Project 0.00020.
gnomAD v4.1: 9 of 1,614,120 alleles (0.00056%); highest among the groups gnomAD compares: Admixed American, 0.012%; no homozygotes.

Submissions (2):

Labcorp Genetics (formerly Invitae), Labcorp
Classification: Uncertain significance. Last evaluated: 2025-09-25. Review status: criteria provided, single submitter. Criteria: Invitae Variant Classification Sherloc (09022015). Collection method: clinical testing. Allele origin: germline.
Comment: This sequence change replaces phenylalanine, which is neutral and non-polar, with leucine, which is neutral and non-polar, at codon 157 of the PITPNM3 protein (p.Phe157Leu). This variant is present in population databases (rs181351370, gnomAD 0.003%). This missense change has been observed in individual(s) with clinical features of cone-rod dystrophy (internal data). ClinVar contains an entry for this variant (Variation ID: 1398816). Invitae Evidence Modeling of protein sequence and biophysical properties (such as structural, functional, and spatial information, amino acid conservation, physicochemical variation, residue mobility, and thermodynamic stability) indicates that this missense variant is not expected to disrupt PITPNM3 protein function with a negative predictive value of 80%. In summary, the available evidence is currently insufficient to determine the role of this variant in disease. Therefore, it has been classified as a Variant of Uncertain Significance.

Ambry Genetics
Classification: Uncertain significance. Last evaluated: 2024-10-08. Review status: criteria provided, single submitter. Criteria: Ambry Variant Classification Scheme 2023. Collection method: clinical testing. Allele origin: germline.

NM_031220.4(PITPNM3):c.469T>C (p.Phe157Leu)

Gene: PITPNM3 (PITPNM family member 3; minus strand). Cytogenetic location: 17p13.2.
Variant type: single nucleotide variant.
Coding change: c.469T>C on transcript NM_031220.4 (MANE Select); coding-DNA position 469, T replaced by C.
Protein change: p.Phe157Leu; replaces phenylalanine 157 with leucine.
Molecular consequence: missense variant.
Genome position (GRCh38, 1-based): chr17:6,483,635, A>G on the plus strand (T>C on the coding strand, the complement: PITPNM3 is on the minus strand). VCF-style: chr17-6483635-A-G. GRCh37 (hg19) VCF-style: chr17-6386955-A-G.
Other names: c.361T>C, p.Phe121Leu (NM_001165966.2); c.469T>C (NM_031220.3); short protein forms F157L, F121L.
Identifiers: ClinVar variation 1398816 (VCV001398816.8), dbSNP rs181351370, ClinGen allele CA287323487.